The following is an entry in ClinVar:

ClinVar aggregate classification (germline): Uncertain significance. Review status: criteria provided, multiple submitters, no conflicts (2 of 4 stars). 3 submissions from 3 submitters: Uncertain significance (3). Last evaluated 2023-12-06.

Conditions:
Dilated cardiomyopathy 1G (CMD1G). Identifiers: Orphanet 154, MedGen C1858763, MONDO:0011400, OMIM 604145.
Autosomal recessive limb-girdle muscular dystrophy type 2J (LGMDR10). Also called: Limb-girdle muscular dystrophy, type 2J; MUSCULAR DYSTROPHY, LIMB-GIRDLE, AUTOSOMAL RECESSIVE 10. Identifiers: Orphanet 140922, MedGen C1837342, MONDO:0012127, OMIM 608807.

Allele frequency attached by ClinVar (database versions not stated): gnomAD exomes below 0.00001.
gnomAD v4.1: 1 of 1,592,394 alleles (0.000063%); highest among the groups gnomAD compares: African/African-American, 0.0014%; no homozygotes.

Submissions (3):

Labcorp Genetics (formerly Invitae), Labcorp
Classification: Uncertain significance for Dilated cardiomyopathy 1G; Autosomal recessive limb-girdle muscular dystrophy type 2J. Last evaluated: 2023-12-06. Review status: criteria provided, single submitter. Criteria: Invitae Variant Classification Sherloc (09022015). Collection method: clinical testing. Allele origin: germline.
Comment: This sequence change replaces proline, which is neutral and non-polar, with leucine, which is neutral and non-polar, at codon 35897 of the TTN protein (p.Pro35897Leu). This variant is not present in population databases (gnomAD no frequency). This variant has not been reported in the literature in individuals affected with TTN-related conditions. ClinVar contains an entry for this variant (Variation ID: 597642). Experimental studies and prediction algorithms are not available or were not evaluated, and the functional significance of this variant is currently unknown. This variant is located in the M band of TTN (PMID: 25589632). Non-truncating variants in this region may be relevant for neuromuscular disorders, but have not been definitively shown to cause cardiomyopathy (PMID: 23975875). In summary, the available evidence is currently insufficient to determine the role of this variant in disease. Therefore, it has been classified as a Variant of Uncertain Significance.

Revvity Omics, Revvity
Classification: Uncertain significance. Last evaluated: 2019-06-05. Review status: criteria provided, single submitter. Criteria: ACMG Guidelines, 2015. Collection method: clinical testing. Allele origin: germline.

Eurofins Ntd Llc (ga)
Classification: Uncertain significance. Last evaluated: 2018-06-21. Review status: criteria provided, single submitter. Criteria: EGL ClinVar v180209 classification definitions. Collection method: clinical testing. Allele origin: germline. Observed: 1 variant allele, 1 heterozygote.

Literature cited by the submitters: PubMed 25589632 (cited by Labcorp Genetics (formerly Invitae), Labcorp); PubMed 23975875 (cited by Labcorp Genetics (formerly Invitae), Labcorp).

NM_001267550.2(TTN):c.107690C>T (p.Pro35897Leu)

Genes: TTN (titin; minus strand), TTN-AS1 (TTN antisense RNA 1; plus strand). Cytogenetic location: 2q31.2.
Variant type: single nucleotide variant.
Coding change: c.107690C>T on transcript NM_001267550.2 (MANE Select); coding-DNA position 107690, C replaced by T.
Protein change: p.Pro35897Leu; replaces proline 35897 with leucine.
Molecular consequence: missense variant.
Genome position (GRCh38, 1-based): chr2:178,527,298, G>A on the plus strand (C>T on the coding strand, the complement: TTN is on the minus strand). VCF-style: chr2-178527298-G-A. GRCh37 (hg19) VCF-style: chr2-179392025-G-A.
Other names: c.102767C>T, p.Pro34256Leu (NM_001256850.1); c.80495C>T, p.Pro26832Leu (NM_003319.4); c.99986C>T, p.Pro33329Leu (NM_133378.4); c.80870C>T, p.Pro26957Leu (NM_133432.3); c.81071C>T, p.Pro27024Leu (NM_133437.4); short protein forms P35897L, P33329L, P27024L, P34256L, P26832L, P26957L.
Identifiers: ClinVar variation 597642 (VCV000597642.17), dbSNP rs1558956138, ClinGen allele CA349399631.